The following is an entry in ClinVar:

ClinVar aggregate classification (germline): Uncertain significance (1 of 4 stars; one submission).

Conditions:
Dilated cardiomyopathy 1G (CMD1G). Identifiers: Orphanet 154, MedGen C1858763, MONDO:0011400, OMIM 604145.
Autosomal recessive limb-girdle muscular dystrophy type 2J (LGMDR10). Also called: Limb-girdle muscular dystrophy, type 2J; MUSCULAR DYSTROPHY, LIMB-GIRDLE, AUTOSOMAL RECESSIVE 10. Identifiers: Orphanet 140922, MedGen C1837342, MONDO:0012127, OMIM 608807.

Allele frequency attached by ClinVar (database versions not stated): ExAC 0.00001; gnomAD exomes 0.00001.
gnomAD v4.1: 4 of 1,613,402 alleles (0.00025%); highest among the groups gnomAD compares: South Asian, 0.0044%; no homozygotes.

Submission:

Labcorp Genetics (formerly Invitae), Labcorp
Classification: Uncertain significance for Dilated cardiomyopathy 1G; Autosomal recessive limb-girdle muscular dystrophy type 2J. Last evaluated: 2022-03-23. Review status: criteria provided, single submitter. Criteria: Invitae Variant Classification Sherloc (09022015). Collection method: clinical testing. Allele origin: germline.
Comment: This sequence change replaces leucine, which is neutral and non-polar, with proline, which is neutral and non-polar, at codon 35694 of the TTN protein (p.Leu35694Pro). This variant is present in population databases (rs761325938, gnomAD 0.007%). This variant has not been reported in the literature in individuals affected with TTN-related conditions. ClinVar contains an entry for this variant (Variation ID: 952785). In summary, the available evidence is currently insufficient to determine the role of this variant in disease. Therefore, it has been classified as a Variant of Uncertain Significance. This variant is located in the M band of TTN (PMID: 25589632). Variants in this region may be relevant for neuromuscular disorders, but have not been definitively shown to cause cardiomyopathy (PMID: 23975875). Experimental studies and prediction algorithms are not available or were not evaluated, and the functional significance of this variant is currently unknown.

Literature cited by the submitters: PubMed 25589632; PubMed 23975875.

NM_001267550.2(TTN):c.107081T>C (p.Leu35694Pro)

Genes: TTN-AS1 (TTN antisense RNA 1; plus strand), TTN (titin; minus strand). Cytogenetic location: 2q31.2.
Variant type: single nucleotide variant.
Coding change: c.107081T>C on transcript NM_001267550.2 (MANE Select); coding-DNA position 107081, T replaced by C.
Protein change: p.Leu35694Pro; replaces leucine 35694 with proline.
Molecular consequence: missense variant.
Genome position (GRCh38, 1-based): chr2:178,528,670, A>G on the plus strand (T>C on the coding strand, the complement: TTN is on the minus strand). VCF-style: chr2-178528670-A-G. GRCh37 (hg19) VCF-style: chr2-179393397-A-G.
Other names: c.102158T>C, p.Leu34053Pro (NM_001256850.1); c.79886T>C, p.Leu26629Pro (NM_003319.4); c.99377T>C, p.Leu33126Pro (NM_133378.4); c.80261T>C, p.Leu26754Pro (NM_133432.3); c.80462T>C, p.Leu26821Pro (NM_133437.4); short protein forms L35694P, L26754P, L26821P, L33126P, L26629P, L34053P.
Identifiers: ClinVar variation 952785 (VCV000952785.10), dbSNP rs761325938, ClinGen allele CA1985003.